The following is an entry in ClinVar:

ClinVar aggregate classification (germline): Pathogenic (1 of 4 stars; one submission).

Conditions:
Retinoblastoma (RB1). Also called: RETINOBLASTOMA, SOMATIC. Identifiers: Orphanet 790, MedGen C0035335, MeSH D012175, MONDO:0008380, OMIM 180200, HP:0009919. Disease mechanism: loss of function. Inheritance: Both sporadic and heritable forms are tested..

Submission:

Labcorp Genetics (formerly Invitae), Labcorp
Classification: Pathogenic for Retinoblastoma. Last evaluated: 2022-01-27. Review status: criteria provided, single submitter. Criteria: Invitae Variant Classification Sherloc (09022015). Collection method: clinical testing. Allele origin: germline.
Comment: For these reasons, this variant has been classified as Pathogenic. This premature translational stop signal has been observed in individual(s) with bilateral retinoblastoma (PMID: 1352398). This variant is not present in population databases (gnomAD no frequency). This sequence change creates a premature translational stop signal (p.Glu672*) in the RB1 gene. It is expected to result in an absent or disrupted protein product. Loss-of-function variants in RB1 are known to be pathogenic (PMID: 17096365).

Literature cited by the submitters: PubMed 1352398; PubMed 17096365.

NM_000321.3(RB1):c.2013dup (p.Glu672Ter)

Gene: RB1 (RB transcriptional corepressor 1; plus strand). Cytogenetic location: 13q14.2.
Variant type: Duplication.
Coding change: c.2013dup on transcript NM_000321.3 (MANE Select); coding-DNA position 2013, one base duplicated (T; older notation c.2013dupT).
Protein change: p.Glu672Ter; replaces glutamic acid 672 with a stop codon.
Molecular consequence: nonsense.
Genome position (GRCh38, 1-based): chr13:48,459,740, T duplicated. VCF-style (leftmost placement, unchanged base first): chr13-48459739-C-CT. GRCh37 (hg19) VCF-style: chr13-49033875-C-CT.
Other names: short protein forms E672*.
Identifiers: ClinVar variation 1459681 (VCV001459681.8), dbSNP rs2138336089, ClinGen allele CA2573149590.
Genomic context (GRCh38, chr13:48,459,739, plus strand): 5'-TTCCCACAGTGTATCGGCTAGCCTATCTCCGGCTAAATACACTTTGTGAACGCCTTCTGT[C>CT]TGAGCACCCAGAATTAGAACATATCATCTGGACCCTTTTCCAGCACACCCTGCAGAATGA-3'